The following is an entry in ClinVar:

ClinVar aggregate classification (germline): Likely pathogenic. Review status: criteria provided, multiple submitters, no conflicts (2 of 4 stars). 3 submissions from 3 submitters: Likely pathogenic (2). 1 of the submissions does not count toward it. Last evaluated 2022-09-01.

Conditions:
Nephrotic syndrome, type 18. Identifiers: MedGen C4748549, MONDO:0032581, OMIM 618177.

Submissions (3):

3billion
Classification: Likely pathogenic for Nephrotic syndrome, type 18. Last evaluated: 2022-09-01. Review status: criteria provided, single submitter. Criteria: ACMG Guidelines, 2015. Collection method: clinical testing. Allele origin: germline. Affected: yes. Observed: 1 heterozygote.
Comment: The variant is not observed in the gnomAD v2.1.1 dataset. In silico tool predictions suggest damaging effect of the variant on gene or gene product (REVEL: 0.45; 3Cnet: 0.79). Same nucleotide change resulting in same amino acid change has been previously reported as pathogenic/likely pathogenic with strong evidence (ClinVar ID: VCV000590319). The variant has been reported to be in trans with a pathogenic variant as either compound heterozygous or homozygous in at least one similarly affected unrelated individual (PMID: 30179222). Therefore, this variant is classified as Likely pathogenic according to the recommendation of ACMG/AMP guideline.

SIB Swiss Institute of Bioinformatics
Classification: Likely pathogenic for Nephrotic syndrome, type 18. Last evaluated: 2019-01-10. Review status: criteria provided, single submitter. Criteria: ACMG Guidelines, 2015. Collection method: curation. Allele origin: unknown.
Comment: This variant is interpreted as a Likely pathogenic for Nephrotic syndrome 18, autosomal recessive. The following ACMG Tag(s) were applied: PM2 => Absent from controls (or at extremely low frequency if recessive) in Exome Sequencing Project, 1000 Genomes Project, or Exome Aggregation Consortium. PS3 => Well-established functional studies show a deleterious effect (PMID:30179222). PP1 => Cosegregation with disease in multiple affected family members in a gene definitively known to cause the disease (PMID:30179222).

ClinGen:CA345168563

OMIM
Classification: Pathogenic for NEPHROTIC SYNDROME, TYPE 18. Last evaluated: 2018-11-12. Review status: no assertion criteria provided. Collection method: literature only. Allele origin: germline. Not counted in ClinVar's aggregate classification.

Literature cited by the submitters: PubMed 30179222 (cited by 3 submitters).

NM_018230.3(NUP133):c.691C>G (p.Arg231Gly)

Gene: NUP133 (nucleoporin 133; minus strand). Cytogenetic location: 1q42.13.
Variant type: single nucleotide variant.
Coding change: c.691C>G on transcript NM_018230.3 (MANE Select); coding-DNA position 691, C replaced by G.
Protein change: p.Arg231Gly; replaces arginine 231 with glycine.
Molecular consequence: missense variant.
Genome position (GRCh38, 1-based): chr1:229,498,264, G>C on the plus strand (C>G on the coding strand, the complement: NUP133 is on the minus strand). VCF-style: chr1-229498264-G-C. GRCh37 (hg19) VCF-style: chr1-229634011-G-C.
Other names: short protein forms R231G.
Identifiers: ClinVar variation 590319 (VCV000590319.3), dbSNP rs1558108130, ClinGen allele CA345168563.